The following is an entry in ClinVar:

NM_006005.3(WFS1):c.836C>G (p.Pro279Arg)

Gene: WFS1 (wolframin ER transmembrane glycoprotein; plus strand). Cytogenetic location: 4p16.1.
Variant type: single nucleotide variant.
Coding change: c.836C>G on transcript NM_006005.3 (MANE Select); coding-DNA position 836, C replaced by G.
Protein change: p.Pro279Arg; replaces proline 279 with arginine.
Molecular consequence: missense variant.
Genome position (GRCh38, 1-based): chr4:6,295,164, C>G. VCF-style: chr4-6295164-C-G. GRCh37 (hg19) VCF-style: chr4-6296891-C-G.
Other names: c.836C>G, p.Pro279Arg (NM_001145853.1); short protein forms P279R.
Identifiers: ClinVar variation 1443766 (VCV001443766.8), dbSNP rs775419895, ClinGen allele CA356172643.

ClinVar aggregate classification (germline): Uncertain significance (1 of 4 stars; one submission).

Submission:

Labcorp Genetics (formerly Invitae), Labcorp
Classification: Uncertain significance. Last evaluated: 2022-03-10. Review status: criteria provided, single submitter. Criteria: Invitae Variant Classification Sherloc (09022015). Collection method: clinical testing. Allele origin: germline.
Comment: In summary, the available evidence is currently insufficient to determine the role of this variant in disease. Therefore, it has been classified as a Variant of Uncertain Significance. Algorithms developed to predict the effect of sequence changes on RNA splicing suggest that this variant may create or strengthen a splice site. Advanced modeling of protein sequence and biophysical properties (such as structural, functional, and spatial information, amino acid conservation, physicochemical variation, residue mobility, and thermodynamic stability) performed at Invitae indicates that this missense variant is not expected to disrupt WFS1 protein function. This variant has not been reported in the literature in individuals affected with WFS1-related conditions. This variant is not present in population databases (gnomAD no frequency). This sequence change replaces proline, which is neutral and non-polar, with arginine, which is basic and polar, at codon 279 of the WFS1 protein (p.Pro279Arg).